The following is an entry in ClinVar:

ClinVar aggregate classification (germline): Uncertain significance (1 of 4 stars; one submission).

Submission:

GeneDx
Classification: Uncertain significance. Last evaluated: 2022-06-27. Review status: criteria provided, single submitter. Criteria: GeneDx Variant Classification Process June 2021. Collection method: clinical testing. Allele origin: germline. Affected: yes.
Comment: Not observed at significant frequency in large population cohorts (gnomAD); In silico analysis supports that this missense variant has a deleterious effect on protein structure/function; Has not been previously published as pathogenic or benign to our knowledge

NM_000257.4(MYH7):c.5392G>T (p.Asp1798Tyr)

Gene: MYH7 (myosin heavy chain 7; minus strand). Cytogenetic location: 14q11.2.
Variant type: single nucleotide variant.
Coding change: c.5392G>T on transcript NM_000257.4 (MANE Select); coding-DNA position 5392, G replaced by T.
Protein change: p.Asp1798Tyr; replaces aspartic acid 1798 with tyrosine.
Molecular consequence: missense variant.
Genome position (GRCh38, 1-based): chr14:23,415,162, C>A on the plus strand (G>T on the coding strand, the complement: MYH7 is on the minus strand). VCF-style: chr14-23415162-C-A. GRCh37 (hg19) VCF-style: chr14-23884371-C-A.
Other names: c.5392G>T, p.Asp1798Tyr (NM_001407004.1); short protein forms D1798Y.
Identifiers: ClinVar variation 1810156 (VCV001810156.1), dbSNP rs2502239340, ClinGen allele CA389035636.